The following is an entry in ClinVar:

NM_017534.6(MYH2):c.3128C>T (p.Ser1043Phe)

Genes: MYH2 (myosin heavy chain 2; minus strand), MYHAS (myosin heavy chain gene cluster antisense RNA; plus strand). Cytogenetic location: 17p13.1.
Variant type: single nucleotide variant.
Coding change: c.3128C>T on transcript NM_017534.6 (MANE Select); coding-DNA position 3128, C replaced by T.
Protein change: p.Ser1043Phe; replaces serine 1043 with phenylalanine.
Molecular consequence: missense variant.
Genome position (GRCh38, 1-based): chr17:10,529,471, G>A on the plus strand (C>T on the coding strand, the complement: MYH2 is on the minus strand). VCF-style: chr17-10529471-G-A. GRCh37 (hg19) VCF-style: chr17-10432788-G-A.
Other names: c.3128C>T, p.Ser1043Phe (NM_001100112.2); short protein forms S1043F.
Identifiers: ClinVar variation 321678 (VCV000321678.14), dbSNP rs200217946, ClinGen allele CA8390996.

ClinVar aggregate classification (germline): Conflicting classifications of pathogenicity. Review status: criteria provided, conflicting classifications (1 of 4 stars). 3 submissions from 3 submitters: Uncertain significance (2); Benign (1). Last evaluated 2026-01-18.

Conditions:
Inborn genetic diseases. Identifiers: MedGen C0950123, MeSH D030342.
Myopathy, proximal, and ophthalmoplegia (CMYO6). Also called: MYOPATHY WITH CONGENITAL JOINT CONTRACTURES, OPHTHALMOPLEGIA, AND RIMMED VACUOLES; INCLUSION BODY MYOPATHY 3, AUTOSOMAL DOMINANT; CONGENITAL MYOPATHY 6 WITH OPHTHALMOPLEGIA. Identifiers: Orphanet 363677, Orphanet 79091, MedGen C1854106, MONDO:0011577, OMIM 605637.

Allele frequency attached by ClinVar (database versions not stated): ESP Exome Variant Server 0.00023; gnomAD 0.00025 and 0.00026; gnomAD exomes 0.00034 and 0.00062; TOPMed 0.00040; ExAC 0.00063.
gnomAD v4.1: 552 of 1,614,028 alleles (0.034%); highest among the groups gnomAD compares: Admixed American, 0.25%; 3 homozygotes.

Submissions (3):

Labcorp Genetics (formerly Invitae), Labcorp
Classification: Benign for Myopathy, proximal, and ophthalmoplegia. Last evaluated: 2026-01-18. Review status: criteria provided, single submitter. Criteria: Invitae Variant Classification Sherloc (09022015). Collection method: clinical testing. Allele origin: germline.

Ambry Genetics
Classification: Uncertain significance for Inborn genetic diseases. Last evaluated: 2025-01-16. Review status: criteria provided, single submitter. Criteria: Ambry Variant Classification Scheme 2023. Collection method: clinical testing. Allele origin: germline.

Women's Health and Genetics/Laboratory Corporation of America, LabCorp
Classification: Uncertain significance. Last evaluated: 2024-01-12. Review status: criteria provided, single submitter. Criteria: LabCorp Variant Classification Summary - May 2015. Collection method: clinical testing. Allele origin: germline.
Comment: Variant summary: MYH2 c.3128C>T (p.Ser1043Phe) results in a non-conservative amino acid change located in the Myosin Tail domain (IPR002928) of the encoded protein sequence. Five of five in-silico tools predict a damaging effect of the variant on protein function. The variant allele was found at a frequency of 0.00062 in 251352 control chromosomes in the gnomAD database, including 1 homozygotes. To our knowledge, no occurrence of c.3128C>T in individuals affected with Myopathy, Proximal, And Ophthalmoplegia and no experimental evidence demonstrating its impact on protein function have been reported. ClinVar contains an entry for this variant (Variation ID: 321678). Based on the evidence outlined above, the variant was classified as uncertain significance.